The following is an entry in ClinVar:

NM_181776.3(SLC36A2):c.412T>C (p.Trp138Arg)

Gene: SLC36A2 (solute carrier family 36 member 2; minus strand). Cytogenetic location: 5q33.1.
Variant type: single nucleotide variant.
Coding change: c.412T>C on transcript NM_181776.3 (MANE Select); coding-DNA position 412, T replaced by C.
Protein change: p.Trp138Arg; replaces tryptophan 138 with arginine.
Molecular consequence: missense variant.
Genome position (GRCh38, 1-based): chr5:151,342,916, A>G on the plus strand (T>C on the coding strand, the complement: SLC36A2 is on the minus strand). VCF-style: chr5-151342916-A-G. GRCh37 (hg19) VCF-style: chr5-150722477-A-G.
Other names: short protein forms W138R.
Identifiers: ClinVar variation 4772061 (VCV004772061.1).

ClinVar aggregate classification (germline): Uncertain significance (1 of 4 stars; one submission).

gnomAD v4.1: 1 of 1,614,164 alleles (0.000062%); highest among the groups gnomAD compares: Non-Finnish European, 0.000085%; no homozygotes.

Submission:

Labcorp Genetics (formerly Invitae), Labcorp
Classification: Uncertain significance. Last evaluated: 2025-11-15. Review status: criteria provided, single submitter. Criteria: Invitae Variant Classification Sherloc (09022015). Collection method: clinical testing. Allele origin: germline.
Comment: This sequence change replaces tryptophan, which is neutral and slightly polar, with arginine, which is basic and polar, at codon 138 of the SLC36A2 protein (p.Trp138Arg). This variant is present in population databases (no rsID available, gnomAD 0.0009%). This variant has not been reported in the literature in individuals affected with SLC36A2-related conditions. An algorithm developed to predict the effect of missense changes on protein structure and function (PolyPhen-2) suggests that this variant is likely to be disruptive. In summary, the available evidence is currently insufficient to determine the role of this variant in disease. Therefore, it has been classified as a Variant of Uncertain Significance.